The following is an entry in ClinVar:

ClinVar aggregate classification (germline): Uncertain significance (1 of 4 stars; one submission).

Conditions:
Brugada syndrome. Also called: Sudden unexplained nocturnal death syndrome; Sudden unexpected nocturnal death syndrome; Sudden Unexplained Death Syndrome; Sudden Unexplained Nocturnal Death Syndrome (SUNDS). Identifiers: Orphanet 130, MedGen C1142166, MONDO:0015263.

gnomAD v4.1: 10 of 1,601,594 alleles (0.00062%); highest among the groups gnomAD compares: East Asian, 0.0022%; no homozygotes.

Submission:

Labcorp Genetics (formerly Invitae), Labcorp
Classification: Uncertain significance for Brugada syndrome. Last evaluated: 2025-03-16. Review status: criteria provided, single submitter. Criteria: Invitae Variant Classification Sherloc (09022015). Collection method: clinical testing. Allele origin: germline.
Comment: This sequence change replaces arginine, which is basic and polar, with glutamine, which is neutral and polar, at codon 216 of the SLMAP protein (p.Arg216Gln). This variant is present in population databases (no rsID available, gnomAD 0.007%). This variant has not been reported in the literature in individuals affected with SLMAP-related conditions. An algorithm developed to predict the effect of missense changes on protein structure and function (PolyPhen-2) suggests that this variant is likely to be disruptive. In summary, the available evidence is currently insufficient to determine the role of this variant in disease. Therefore, it has been classified as a Variant of Uncertain Significance.

NM_001377540.1(SLMAP):c.647G>A (p.Arg216Gln)

Gene: SLMAP (sarcolemma associated protein; plus strand). Cytogenetic location: 3p14.3.
Variant type: single nucleotide variant.
Coding change: c.647G>A on transcript NM_001377540.1 (MANE Select); coding-DNA position 647, G replaced by A.
Protein change: p.Arg216Gln; replaces arginine 216 with glutamine.
Molecular consequence: missense variant. On other transcripts: non-coding transcript variant (1).
Genome position (GRCh38, 1-based): chr3:57,858,119, G>A. VCF-style: chr3-57858119-G-A. GRCh37 (hg19) VCF-style: chr3-57843846-G-A.
Other names: c.647G>A, p.Arg216Gln (NM_001304420.3, NM_001304421.2, NM_001377538.1 and 17 more transcripts); short protein forms R216Q.
Identifiers: ClinVar variation 4738648 (VCV004738648.1).